The following is an entry in ClinVar:

NM_213720.3(CHCHD10):c.-47_-23del

Gene: CHCHD10 (coiled-coil-helix-coiled-coil-helix domain containing 10; minus strand). Cytogenetic location: 22q11.23.
Variant type: Deletion.
Coding change: c.-47_-23del on transcript NM_213720.3 (MANE Select); 47 bases upstream of the start codon through 23 bases upstream of the start codon, 25 bases deleted (ACCGCTGCCGCCGTCTCTAAGGTCG).
Molecular consequence: 5 prime UTR variant. On other transcripts: non-coding transcript variant (2).
Genome position (GRCh38, 1-based): chr22:23,767,897-23,767,921, CGACCTTAGAGACGGCGGCAGCGGT deleted on the plus strand (ACCGCTGCCGCCGTCTCTAAGGTCG on the coding strand, the reverse complement: CHCHD10 is on the minus strand). VCF-style (leftmost placement, unchanged base first): chr22-23767896-GCGACCTTAGAGACGGCGGCAGCGGT-G. GRCh37 (hg19) VCF-style: chr22-24110083-GCGACCTTAGAGACGGCGGCAGCGGT-G.
Other names: c.-47_-23del (NM_001301339.2); c.-47_-23del25 (NM_213720.3).
Identifiers: ClinVar variation 4688774 (VCV004688774.1).

ClinVar aggregate classification (germline): Uncertain significance (1 of 4 stars; one submission).

Submission:

Women's Health and Genetics/Laboratory Corporation of America, LabCorp
Classification: Uncertain significance. Last evaluated: 2025-12-26. Review status: criteria provided, single submitter. Criteria: LabCorp Variant Classification Summary - May 2015. Collection method: clinical testing. Allele origin: germline.
Comment: Variant summary: CHCHD10 c.-47_-23del25 is located in the untranslated mRNA region upstream of the initiation codon. The variant allele was found at a frequency of 2.3e-05 in 1498536 control chromosomes, predominantly at a frequency of 0.00045 within the African or African-American subpopulation in the gnomAD database (v4.1 dataset). The occurrence in several controls suggests that this variant is likely not associated with a high penetrance, severe, early onset disease phenotype in heterozygous state. To our knowledge, no occurrence of c.-47_-23del25 in individuals affected with CHCHD10-related conditions and no experimental evidence demonstrating its impact on protein function have been reported. No submitters have cited clinical-significance assessments for this variant to ClinVar. Based on the evidence outlined above, the variant was classified as VUS-possibly benign.